The following is an entry in ClinVar:

ClinVar aggregate classification (germline): Uncertain significance (1 of 4 stars; one submission).

Conditions:
Cardiovascular phenotype. Identifiers: MedGen CN230736.

gnomAD v4.1: 1 of 1,604,114 alleles (0.000062%); highest among the groups gnomAD compares: South Asian, 0.0011%; no homozygotes.

Submission:

Ambry Genetics
Classification: Uncertain significance for Cardiovascular phenotype. Last evaluated: 2024-05-06. Review status: criteria provided, single submitter. Criteria: Ambry Variant Classification Scheme 2023. Collection method: clinical testing. Allele origin: germline.
Comment: The p.F348L variant (also known as c.1042T>C), located in coding exon 12 of the TECRL gene, results from a T to C substitution at nucleotide position 1042. The phenylalanine at codon 348 is replaced by leucine, an amino acid with highly similar properties. This amino acid position is conserved. In addition, the in silico prediction for this alteration is inconclusive. Based on the available evidence, the clinical significance of this variant remains unclear.

NM_001010874.5(TECRL):c.1042T>C (p.Phe348Leu)

Gene: TECRL (trans-2,3-enoyl-CoA reductase like; minus strand). Cytogenetic location: 4q13.1.
Variant type: single nucleotide variant.
Coding change: c.1042T>C on transcript NM_001010874.5 (MANE Select); coding-DNA position 1042, T replaced by C.
Protein change: p.Phe348Leu; replaces phenylalanine 348 with leucine.
Molecular consequence: missense variant. On other transcripts: intron variant (1).
Genome position (GRCh38, 1-based): chr4:64,280,122, A>G on the plus strand (T>C on the coding strand, the complement: TECRL is on the minus strand). VCF-style: chr4-64280122-A-G. GRCh37 (hg19) VCF-style: chr4-65145840-A-G.
Other names: c.964+919T>C (NM_001363796.1); short protein forms F348L.
Identifiers: ClinVar variation 3325218 (VCV003325218.1).